The following is an entry in ClinVar:

ClinVar aggregate classification (germline): Uncertain significance. Review status: criteria provided, multiple submitters, no conflicts (2 of 4 stars). 2 submissions from 2 submitters: Uncertain significance (2). Last evaluated 2024-11-18.

Conditions:
Inborn genetic diseases. Identifiers: MedGen C0950123, MeSH D030342.

Allele frequency attached by ClinVar (database versions not stated): gnomAD 0.00005; ExAC 0.00011; TOPMed 0.00015; ESP Exome Variant Server 0.00023; 1000 Genomes Project 0.00040; 1000 Genomes Project 30x 0.00047.
gnomAD v4.1: 40 of 1,603,652 alleles (0.0025%); highest among the groups gnomAD compares: East Asian, 0.027%; no homozygotes.

Submissions (2):

Labcorp Genetics (formerly Invitae), Labcorp
Classification: Uncertain significance. Last evaluated: 2024-11-18. Review status: criteria provided, single submitter. Criteria: Invitae Variant Classification Sherloc (09022015). Collection method: clinical testing. Allele origin: germline.
Comment: This sequence change replaces serine, which is neutral and polar, with leucine, which is neutral and non-polar, at codon 797 of the PTPN23 protein (p.Ser797Leu). This variant is present in population databases (rs137987776, gnomAD 0.07%). This variant has not been reported in the literature in individuals affected with PTPN23-related conditions. ClinVar contains an entry for this variant (Variation ID: 2413606). Experimental studies and prediction algorithms are not available or were not evaluated, and the functional significance of this variant is currently unknown. In summary, the available evidence is currently insufficient to determine the role of this variant in disease. Therefore, it has been classified as a Variant of Uncertain Significance.

Ambry Genetics
Classification: Uncertain significance for Inborn genetic diseases. Last evaluated: 2024-05-28. Review status: criteria provided, single submitter. Criteria: Ambry Variant Classification Scheme 2023. Collection method: clinical testing. Allele origin: germline.

NM_015466.4(PTPN23):c.2390C>T (p.Ser797Leu)

Gene: PTPN23 (protein tyrosine phosphatase non-receptor type 23; plus strand). Cytogenetic location: 3p21.31.
Variant type: single nucleotide variant.
Coding change: c.2390C>T on transcript NM_015466.4 (MANE Select); coding-DNA position 2390, C replaced by T.
Protein change: p.Ser797Leu; replaces serine 797 with leucine.
Molecular consequence: missense variant.
Genome position (GRCh38, 1-based): chr3:47,410,188, C>T. VCF-style: chr3-47410188-C-T. GRCh37 (hg19) VCF-style: chr3-47451678-C-T.
Other names: c.2012C>T, p.Ser671Leu (NM_001304482.2); c.2390C>T (NM_015466.2); short protein forms S671L, S797L.
Identifiers: ClinVar variation 2413606 (VCV002413606.5), dbSNP rs137987776, ClinGen allele CA2366025.